The following is an entry in ClinVar:

ClinVar aggregate classification (germline): Uncertain significance (1 of 4 stars; one submission).

Submission:

Labcorp Genetics (formerly Invitae), Labcorp
Classification: Uncertain significance. Last evaluated: 2023-06-19. Review status: criteria provided, single submitter. Criteria: Invitae Variant Classification Sherloc (09022015). Collection method: clinical testing. Allele origin: germline.
Comment: This variant has not been reported in the literature in individuals affected with POLE-related conditions. This sequence change replaces glycine, which is neutral and non-polar, with arginine, which is basic and polar, at codon 1944 of the POLE protein (p.Gly1944Arg). This variant is not present in population databases (gnomAD no frequency). An algorithm developed to predict the effect of missense changes on protein structure and function (PolyPhen-2) suggests that this variant is likely to be tolerated. In summary, the available evidence is currently insufficient to determine the role of this variant in disease. Therefore, it has been classified as a Variant of Uncertain Significance.

NM_006231.4(POLE):c.5830G>A (p.Gly1944Arg)

Gene: POLE (DNA polymerase epsilon, catalytic subunit; minus strand). Cytogenetic location: 12q24.33.
Variant type: single nucleotide variant.
Coding change: c.5830G>A on transcript NM_006231.4 (MANE Select); coding-DNA position 5830, G replaced by A.
Protein change: p.Gly1944Arg; replaces glycine 1944 with arginine.
Molecular consequence: missense variant.
Genome position (GRCh38, 1-based): chr12:132,634,360, C>T on the plus strand (G>A on the coding strand, the complement: POLE is on the minus strand). VCF-style: chr12-132634360-C-T. GRCh37 (hg19) VCF-style: chr12-133210946-C-T.
Other names: short protein forms G1944R.
Identifiers: ClinVar variation 2974180 (VCV002974180.3), dbSNP rs2541860480, ClinGen allele CA387371863.